The following is an entry in ClinVar:

ClinVar aggregate classification (germline): Conflicting classifications of pathogenicity. Review status: criteria provided, conflicting classifications (1 of 4 stars). 2 submissions from 2 submitters: Uncertain significance (1); Likely benign (1). Last evaluated 2024-03-20.

Conditions:
Inborn genetic diseases. Identifiers: MedGen C0950123, MeSH D030342.

gnomAD v4.1: 14 of 1,614,050 alleles (0.00087%); highest among the groups gnomAD compares: East Asian, 0.0022%; no homozygotes.

Submissions (2):

Ambry Genetics
Classification: Likely benign for Inborn genetic diseases. Last evaluated: 2024-03-20. Review status: criteria provided, single submitter. Criteria: Ambry Variant Classification Scheme 2023. Collection method: clinical testing. Allele origin: germline.

GeneDx
Classification: Uncertain significance. Last evaluated: 2024-01-02. Review status: criteria provided, single submitter. Criteria: GeneDx Variant Classification Process June 2021. Collection method: clinical testing. Allele origin: germline. Affected: yes.
Comment: In silico analysis supports that this missense variant does not alter protein structure/function; Has not been previously published as pathogenic or benign to our knowledge

NM_207034.3(EDN3):c.272A>G (p.His91Arg)

Gene: EDN3 (endothelin 3; plus strand). Cytogenetic location: 20q13.32.
Variant type: single nucleotide variant.
Coding change: c.272A>G on transcript NM_207034.3 (MANE Select); coding-DNA position 272, A replaced by G.
Protein change: p.His91Arg; replaces histidine 91 with arginine.
Molecular consequence: missense variant.
Genome position (GRCh38, 1-based): chr20:59,301,629, A>G. VCF-style: chr20-59301629-A-G. GRCh37 (hg19) VCF-style: chr20-57876684-A-G.
Other names: c.272A>G, p.His91Arg (NM_001302455.2, NM_001302456.2, NM_001424361.1 and 4 more transcripts); short protein forms H91R.
Identifiers: ClinVar variation 3274512 (VCV003274512.2).